The following is an entry in ClinVar:

NM_001042492.3(NF1):c.6306C>A (p.Tyr2102Ter)

Gene: NF1 (neurofibromin 1; plus strand). Cytogenetic location: 17q11.2.
Variant type: single nucleotide variant.
Coding change: c.6306C>A on transcript NM_001042492.3 (MANE Select); coding-DNA position 6306, C replaced by A.
Protein change: p.Tyr2102Ter; replaces tyrosine 2102 with a stop codon.
Molecular consequence: nonsense.
Genome position (GRCh38, 1-based): chr17:31,336,793, C>A. VCF-style: chr17-31336793-C-A. GRCh37 (hg19) VCF-style: chr17-29663811-C-A.
Other names: c.6243C>A, p.Tyr2081Ter (NM_000267.4); short protein forms Y2081*, Y2102*.
Identifiers: ClinVar variation 2982379 (VCV002982379.5), dbSNP rs2069687169, ClinGen allele CA399012251.

ClinVar aggregate classification (germline): Pathogenic. Review status: criteria provided, multiple submitters, no conflicts (2 of 4 stars). 3 submissions from 3 submitters: Pathogenic (3). Last evaluated 2025-10-20.

Conditions:
Cardiovascular phenotype. Identifiers: MedGen CN230736.
Hereditary cancer-predisposing syndrome. Also called: Tumor predisposition; Hereditary neoplastic syndrome; Neoplastic Syndromes, Hereditary; Hereditary Cancer Syndrome. Identifiers: Orphanet 140162, MedGen C0027672, MeSH D009386, MONDO:0015356.
Neurofibromatosis, type 1 (NF1). Also called: Peripheral type neurofibromatosis; NEUROFIBROMATOSIS, TYPE I, SOMATIC; Neurofibromatosis, type I; VON RECKLINGHAUSEN DISEASE. Identifiers: Orphanet 636, MedGen C0027831, MONDO:0018975, OMIM 162200. Disease mechanism: loss of function.

Submissions (3):

Ambry Genetics
Classification: Pathogenic for Cardiovascular phenotype; Hereditary cancer-predisposing syndrome. Last evaluated: 2025-10-20. Review status: criteria provided, single submitter. Criteria: Ambry Variant Classification Scheme 2023. Collection method: clinical testing. Allele origin: germline.
Comment: The p.Y2081* pathogenic mutation (also known as c.6243C>A), located in coding exon 41 of the NF1 gene, results from a C to A substitution at nucleotide position 6243. This changes the amino acid from a tyrosine to a stop codon within coding exon 41. This variant was reported in individual(s) with features consistent with neurofibromatosis type 1 (NF1) (Giugliano T et al. Genes (Basel), 2019 Jul;10). This variant is considered to be rare based on population cohorts in the Genome Aggregation Database (gnomAD). This alteration is expected to result in loss of function by premature protein truncation or nonsense-mediated mRNA decay. As such, this alteration is interpreted as a disease-causing mutation.

Labcorp Genetics (formerly Invitae), Labcorp
Classification: Pathogenic for Neurofibromatosis, type 1. Last evaluated: 2023-06-09. Review status: criteria provided, single submitter. Criteria: Invitae Variant Classification Sherloc (09022015). Collection method: clinical testing. Allele origin: germline.
Comment: For these reasons, this variant has been classified as Pathogenic. This premature translational stop signal has been observed in individual(s) with NF1-related conditions (PMID: 31370276). This variant is not present in population databases (gnomAD no frequency). This sequence change creates a premature translational stop signal (p.Tyr2081*) in the NF1 gene. It is expected to result in an absent or disrupted protein product. Loss-of-function variants in NF1 are known to be pathogenic (PMID: 10712197, 23913538).

Juno Genomics, Hangzhou Juno Genomics, Inc
Classification: Pathogenic for Neurofibromatosis, type 1. Review status: criteria provided, single submitter. Criteria: ACMG Guidelines, 2015. Collection method: clinical testing. Allele origin: germline. Affected: yes.
Comment: Absent from controls (or at extremely low frequency if recessive) in Genome Aggregation Database, Exome Sequencing Project, 1000 Genomes Project, or Exome Aggregation Consortium.;Null variant in a gene where loss of function (LOF) is a known mechanism of disease.;The prevalence of the variant in affected individuals is significantly increased compared to the prevalence in controls.;Patient's phenotype or family history is highly specific for a disease with a single genetic etiology.

Literature cited by the submitters: PubMed 31370276 (cited by Ambry Genetics and Labcorp Genetics (formerly Invitae), Labcorp); PubMed 10712197 (cited by Labcorp Genetics (formerly Invitae), Labcorp); PubMed 23913538 (cited by Labcorp Genetics (formerly Invitae), Labcorp).